The following is an entry in ClinVar:

NM_015978.3(TNNI3K):c.863A>C (p.Glu288Ala)

Genes: FPGT-TNNI3K (FPGT-TNNI3K readthrough; plus strand), TNNI3K (TNNI3 interacting kinase; plus strand). Cytogenetic location: 1p31.1.
Variant type: single nucleotide variant.
Coding change: c.863A>C on transcript NM_015978.3 (MANE Select); coding-DNA position 863, A replaced by C.
Protein change: p.Glu288Ala; replaces glutamic acid 288 with alanine.
Molecular consequence: missense variant.
Genome position (GRCh38, 1-based): chr1:74,343,110, A>C. VCF-style: chr1-74343110-A-C. GRCh37 (hg19) VCF-style: chr1-74808794-A-C.
Other names: c.1166A>C, p.Glu389Ala (NM_001112808.3, NM_001199327.2); short protein forms E288A, E389A.
Identifiers: ClinVar variation 2125454 (VCV002125454.4), dbSNP rs2524362213, ClinGen allele CA340782200.

ClinVar aggregate classification (germline): Uncertain significance (1 of 4 stars; one submission).

Allele frequency attached by ClinVar (database versions not stated): gnomAD exomes below 0.00001.
gnomAD v4.1: 1 of 1,613,506 alleles (0.000062%); highest among the groups gnomAD compares: Non-Finnish European, 0.000085%; no homozygotes.

Submission:

Labcorp Genetics (formerly Invitae), Labcorp
Classification: Uncertain significance. Last evaluated: 2022-04-12. Review status: criteria provided, single submitter. Criteria: Invitae Variant Classification Sherloc (09022015). Collection method: clinical testing. Allele origin: germline.
Comment: In summary, the available evidence is currently insufficient to determine the role of this variant in disease. Therefore, it has been classified as a Variant of Uncertain Significance. Algorithms developed to predict the effect of missense changes on protein structure and function are either unavailable or do not agree on the potential impact of this missense change (SIFT: "Deleterious"; PolyPhen-2: "Benign"; Align-GVGD: "Class C65"). This variant has not been reported in the literature in individuals affected with TNNI3K-related conditions. This variant is not present in population databases (gnomAD no frequency). This sequence change replaces glutamic acid, which is acidic and polar, with alanine, which is neutral and non-polar, at codon 288 of the TNNI3K protein (p.Glu288Ala).